The following is an entry in ClinVar:

ClinVar aggregate classification (germline): Uncertain significance. Review status: criteria provided, multiple submitters, no conflicts (2 of 4 stars). 3 submissions from 3 submitters: Uncertain significance (3). Last evaluated 2026-08-10.

Conditions:
RP1L1-related disorder. Also called: RP1L1-related condition.
Inborn genetic diseases. Identifiers: MedGen C0950123, MeSH D030342.

gnomAD v4.1: 6 of 1,613,630 alleles (0.00037%); highest among the groups gnomAD compares: African/African-American, 0.0027%; no homozygotes.

Submissions (3):

PreventionGenetics, part of Exact Sciences
Classification: Uncertain significance for RP1L1-related condition. Last evaluated: 2026-08-10. Review status: criteria provided, single submitter. Criteria: ACMG Guidelines, 2015. Collection method: clinical testing. Allele origin: germline.
Comment: The RP1L1 c.3629C>T variant is predicted to result in the amino acid substitution p.Ser1210Leu. This variant has been reported as a variant of uncertain significance in an individual from large cohort study of retinal disease (Supp. Table 1, Lin et al. 2024. PubMed ID: 38219857). This variant is reported in 0.0065% of alleles in individuals of African descent in gnomAD. At this time, the clinical significance of this variant is uncertain due to the absence of conclusive functional and genetic evidence.

Ambry Genetics
Classification: Uncertain significance for Inborn genetic diseases. Last evaluated: 2024-11-21. Review status: criteria provided, single submitter. Criteria: Ambry Variant Classification Scheme 2023. Collection method: clinical testing. Allele origin: germline.

Blueprint Genetics
Classification: Uncertain significance. Last evaluated: 2021-09-03. Review status: criteria provided, single submitter. Criteria: ACMG Guidelines, 2015. Collection method: clinical testing. Allele origin: germline.

NM_178857.6(RP1L1):c.3629C>T (p.Ser1210Leu)

Gene: RP1L1 (RP1 like 1). Cytogenetic location: 8p23.1.
Variant type: single nucleotide variant.
Coding change: c.3629C>T on transcript NM_178857.6 (MANE Select); coding-DNA position 3629, C replaced by T.
Protein change: p.Ser1210Leu; replaces serine 1210 with leucine.
Molecular consequence: missense variant.
Genome position (GRCh38, 1-based): chr8:10,610,469, G>A on the plus strand (C>T on the coding strand, the complement: RP1L1 is on the minus strand). VCF-style: chr8-10610469-G-A. GRCh37 (hg19) VCF-style: chr8-10467979-G-A.
Other names: short protein forms S1210L.
Identifiers: ClinVar variation 3434961 (VCV003434961.3).